The following is an entry in ClinVar:

NM_000257.4(MYH7):c.1141G>A (p.Ala381Thr)

Gene: MYH7 (myosin heavy chain 7; minus strand). Cytogenetic location: 14q11.2.
Variant type: single nucleotide variant.
Coding change: c.1141G>A on transcript NM_000257.4 (MANE Select); coding-DNA position 1141, G replaced by A.
Protein change: p.Ala381Thr; replaces alanine 381 with threonine.
Molecular consequence: missense variant.
Genome position (GRCh38, 1-based): chr14:23,429,345, C>T on the plus strand (G>A on the coding strand, the complement: MYH7 is on the minus strand). VCF-style: chr14-23429345-C-T. GRCh37 (hg19) VCF-style: chr14-23898554-C-T.
Other names: NM_000257.4(MYH7):c.1141G>A; short protein forms A381T.
Identifiers: ClinVar variation 179272 (VCV000179272.6), dbSNP rs727504753, ClinGen allele CA010273.
Genomic context (GRCh38, chr14:23,429,345, plus strand): 5'-GGCACAGCCCCTTGAGCAGGTCGGCTGAGTTCAGCCCCATGAGGTAGGCAGACTTGTCAG[C>T]CTCTGGAAGGAAAAGGCAAGTAGCAAAGTTGGTAAAGAGATGACTGCTGGCCAGGTGTGG-3'
Protein context (NP_000248.2, residues 371-391): EQAEPDGTEE[Ala381Thr]DKSAYLMGLN

ClinVar aggregate classification (germline): Uncertain significance. Review status: reviewed by expert panel (3 of 4 stars). 3 submissions from 3 submitters: Uncertain significance (1). 2 of the submissions do not count toward it. Last evaluated 2021-09-22.

Conditions:
Hypertrophic cardiomyopathy 1 (CMH1). Also called: Familial hypertrophic cardiomyopathy 1; MYH7-Related Familial Hypertrophic Cardiomyopathy. Identifiers: MedGen C3495498, MONDO:0008647, OMIM 192600.
Myopathy, myosin storage, autosomal recessive (CMYO7B). Also called: CONGENITAL MYOPATHY 7B, MYOSIN STORAGE, AUTOSOMAL RECESSIVE. Identifiers: Orphanet 636970, MedGen C1850709, MONDO:0009708, OMIM 255160.
Myosin storage myopathy (CMYO7A). Also called: MYOPATHY WITH LYSIS OF TYPE I MYOFIBRILS; MYH7-related late-onset scapuloperoneal muscular dystrophy; Congenital myopathy 7A, myosin storage, autosomal dominant; MYOPATHY, HYALINE BODY, AUTOSOMAL DOMINANT; Scapuloperoneal myopathy, MYH7-related; SCAPULOPERONEAL MUSCULAR DYSTROPHY. Identifiers: Orphanet 437572, Orphanet 636965, MedGen C1842160, MONDO:0008409, OMIM 608358.
Dilated cardiomyopathy 1S (CMD1S). Identifiers: Orphanet 154, Orphanet 54260, MedGen C1834481, MONDO:0013262, OMIM 613426.
MYH7-related skeletal myopathy. Also called: Myopathy, distal, 1; Laing early-onset distal myopathy; MYOPATHY, DISTAL, EARLY-ONSET, AUTOSOMAL DOMINANT; MYOPATHY, LATE DISTAL HEREDITARY; Laing distal myopathy. Identifiers: Orphanet 59135, MedGen C4552004, MONDO:0008050, OMIM 160500.
Hypertrophic cardiomyopathy. Also called: HYPERTROPHIC MYOCARDIOPATHY. Identifiers: Orphanet 217569, MedGen C0007194, MeSH D002312, MONDO:0005045, HP:0001639.

Submissions (3):

ClinGen Cardiomyopathy Variant Curation Expert Panel
Classification: Uncertain significance for Hypertrophic cardiomyopathy. Last evaluated: 2021-09-22. Review status: reviewed by expert panel. Criteria: ClinGen CMP ACMG Specifications v1. Collection method: curation. Allele origin: germline. Inheritance: Autosomal dominant inheritance.
Comment: The NM_000257.4(MYH7):c.1141G>A (p.Ala381Thr) variant has been identified in 1 neonate with HCM and repolarization abnormalities (LMM pers. comm.); however this case data is insufficient to apply PS4. This variant was absent from large population studies (PM2; gnomAD v2.1.1). This variant lies in the head region of the protein (aa 181-937) and missense variants in this region are statistically more likely to be associated with HCM (PM1; Walsh 2017 PMID:27532257). Computational prediction tools and conservation analysis were mixed about the potential impact of this variant. In summary, due to insufficient evidence, this variant is classified as uncertain significance for hypertrophic cardiomyopathy in an autosomal dominant manner. MYH7-specific ACMG/AMP criteria applied (Kelly 2018 PMID:29300372): PM2, PM1.

Baylor Genetics
Classification: Likely pathogenic for Dilated cardiomyopathy 1S; Hypertrophic cardiomyopathy 1; MYH7-related skeletal myopathy; Myosin storage myopathy; Myopathy, myosin storage, autosomal recessive. Last evaluated: 2018-10-12. Review status: criteria provided, single submitter. Criteria: ACMG Guidelines, 2015. Collection method: clinical testing. Allele origin: germline. Affected: yes. Not counted in ClinVar's aggregate classification.

Laboratory for Molecular Medicine, Mass General Brigham Personalized Medicine
Classification: Uncertain significance. Last evaluated: 2013-08-29. Review status: criteria provided, single submitter. Criteria: LMM Criteria. Collection method: clinical testing. Allele origin: germline. Observed: 1 variant allele. Not counted in ClinVar's aggregate classification.
Comment: The Ala381Thr variant in MYH7 has not been previously reported in individuals wi th cardiomyopathy or in large population studies. Computational analyses (bioche mical amino acid properties, conservation, AlignGVGD, PolyPhen2, and SIFT) do no t provide strong support for or against an impact to the normal function of the protein. At this time, additional information is needed to fully assess the clin ical significance of the Ala381Thr variant.